The following is an entry in ClinVar:

ClinVar aggregate classification (germline): not provided (0 of 4 stars; one submission).

Conditions:
Werner syndrome (WRN). Identifiers: Orphanet 902, MedGen C0043119, MONDO:0010196, OMIM 277700.

Submission:

GeneReviews
No classification provided. Condition: Werner syndrome. Review status: no classification provided. Collection method: literature only. Allele origin: germline.
Comment: Potential founder variant in the Moroccan population.

Literature cited by the submitters: PubMed 27667302; PubMed 20301687.

NM_000553.6(WRN):c.2179dup (p.Cys727fs)

Gene: WRN (WRN RecQ like helicase; plus strand). Cytogenetic location: 8p12.
Variant type: Duplication.
Coding change: c.2179dup on transcript NM_000553.6 (MANE Select); coding-DNA position 2179, one base duplicated (T; older notation c.2179dupT).
Protein change: p.Cys727fs; shifts the reading frame from cysteine 727.
Molecular consequence: frameshift variant.
Genome position (GRCh38, 1-based): chr8:31,111,705, T duplicated. VCF-style (leftmost placement, unchanged base first): chr8-31111704-C-CT. GRCh37 (hg19) VCF-style: chr8-30969220-C-CT.
Other names: c.2179dupT (NM_000553.6); short protein forms C727fs.
Identifiers: ClinVar variation 38887 (VCV000038887.2), dbSNP rs281865158, ClinGen allele CA343149.